The following is an entry in ClinVar:

ClinVar aggregate classification (germline): Uncertain significance. Review status: criteria provided, multiple submitters, no conflicts (2 of 4 stars). 7 submissions from 7 submitters: Uncertain significance (6). 1 of the submissions does not count toward it. Last evaluated 2026-08-23.

Conditions:
Inborn genetic diseases. Identifiers: MedGen C0950123, MeSH D030342.
Glutaric aciduria, type 1. Also called: Glutaricaciduria, type I; Glutaryl-CoA dehydrogenase deficiency; Glutaricacidemia Type 1; Glutaric Acidemia Type 1; GA I; Glutaric acidemia type I. Identifiers: Orphanet 25, MedGen C0268595, MONDO:0009281, OMIM 231670.

Allele frequency attached by ClinVar (database versions not stated): TOPMed 0.00012; ExAC 0.00014; gnomAD exomes 0.00015 and 0.00017.

Submissions (7):

GeneDx
Classification: Uncertain significance. Last evaluated: 2026-08-23. Review status: criteria provided, single submitter. Criteria: GeneDx Variant Classification Process June 2021. Collection method: clinical testing. Allele origin: germline.
Comment: In silico analysis supports that this missense variant has a deleterious effect on protein structure/function; Has not been previously published as pathogenic or benign to our knowledge; This variant is associated with the following publications: (PMID: 37020324)

CeGaT Center for Human Genetics Tuebingen
Classification: Uncertain significance. Last evaluated: 2026-05-01. Review status: criteria provided, single submitter. Criteria: CeGaT Center For Human Genetics Tuebingen Variant Classification Criteria Version 2. Collection method: clinical testing. Allele origin: germline. Affected: yes. Observed: 1 variant allele.
Comment: GCDH: PM2

Blueprint Genetics
Classification: Uncertain significance. Last evaluated: 2024-06-12. Review status: criteria provided, single submitter. Criteria: ACMG Guidelines, 2015. Collection method: clinical testing. Allele origin: germline.

Mayo Clinic Laboratories, Mayo Clinic
Classification: Uncertain significance. Last evaluated: 2024-06-06. Review status: criteria provided, single submitter. Criteria: ACMG Guidelines, 2015. Collection method: clinical testing. Allele origin: germline. Observed: 1 variant allele.

Ambry Genetics
Classification: Uncertain significance for Inborn genetic diseases. Last evaluated: 2024-05-28. Review status: criteria provided, single submitter. Criteria: Ambry Variant Classification Scheme 2023. Collection method: clinical testing. Allele origin: germline.

Labcorp Genetics (formerly Invitae), Labcorp
Classification: Uncertain significance for Glutaric aciduria, type 1. Last evaluated: 2022-08-18. Review status: criteria provided, single submitter. Criteria: Invitae Variant Classification Sherloc (09022015). Collection method: clinical testing. Allele origin: germline.
Comment: This sequence change replaces aspartic acid, which is acidic and polar, with asparagine, which is neutral and polar, at codon 318 of the GCDH protein (p.Asp318Asn). This variant is present in population databases (rs761135089, gnomAD 0.05%). This variant has not been reported in the literature in individuals affected with GCDH-related conditions. ClinVar contains an entry for this variant (Variation ID: 967475). Advanced modeling of protein sequence and biophysical properties (such as structural, functional, and spatial information, amino acid conservation, physicochemical variation, residue mobility, and thermodynamic stability) performed at Invitae indicates that this missense variant is expected to disrupt GCDH protein function. In summary, the available evidence is currently insufficient to determine the role of this variant in disease. Therefore, it has been classified as a Variant of Uncertain Significance.

Natera, Inc.
Classification: Uncertain significance for Glutaric acidemia type 1. Last evaluated: 2020-01-31. Review status: no assertion criteria provided. Collection method: clinical testing. Allele origin: germline. Not counted in ClinVar's aggregate classification.

Literature cited by the submitters: PubMed 37020324 (cited by Mayo Clinic Laboratories, Mayo Clinic).

NM_000159.4(GCDH):c.952G>A (p.Asp318Asn)

Gene: GCDH (glutaryl-CoA dehydrogenase; plus strand). Cytogenetic location: 19p13.13.
Variant type: single nucleotide variant.
Coding change: c.952G>A on transcript NM_000159.4 (MANE Select); coding-DNA position 952, G replaced by A.
Protein change: p.Asp318Asn; replaces aspartic acid 318 with asparagine.
Molecular consequence: missense variant. On other transcripts: non-coding transcript variant (2).
Genome position (GRCh38, 1-based): chr19:12,897,009, G>A. VCF-style: chr19-12897009-G-A. GRCh37 (hg19) VCF-style: chr19-13007823-G-A.
Other names: p.Asp318Asn; c.952G>A (NM_000159.2); c.952G>A, p.Asp318Asn (NM_013976.5); short protein forms D318N.
Identifiers: ClinVar variation 967475 (VCV000967475.17), dbSNP rs761135089, ClinGen allele CA9234552.